The following is an entry in ClinVar:

NM_004287.5(GOSR2):c.199_200delinsCA (p.Arg67Gln)

Genes: LRRC37A2 (leucine rich repeat containing 37 member A2), GOSR2 (golgi SNAP receptor complex member 2; plus strand), LOC126862578 (BRD4-independent group 4 enhancer GRCh37_chr17:45008344-45009543; plus strand). Cytogenetic location: 17q21.32.
Variant type: Indel.
Coding change: c.199_200delinsCA on transcript NM_004287.5 (MANE Select); coding-DNA positions 199 to 200, AG replaced by CA.
Protein change: p.Arg67Gln; replaces arginine 67 with glutamine.
Molecular consequence: missense variant. On other transcripts: non-coding transcript variant (3).
Genome position (GRCh38, 1-based): chr17:46,931,203-46,931,204, AG replaced by CA. VCF-style: chr17-46931203-AG-CA. GRCh37 (hg19) VCF-style: chr17-45008569-AG-CA.
Other names: c.199_200delinsCA, p.Arg67Gln (NM_001012511.3, NM_001321133.2, NM_001330252.2 and 1 more transcripts); c.145_146delinsCA, p.Arg49Gln (NM_001321134.2, NM_001363851.2); c.196_197delinsCA, p.Arg66Gln (NM_001353114.2, NM_001353115.2, NM_001353116.2); short protein forms R49Q, R67Q, R66Q.
Identifiers: ClinVar variation 498891 (VCV000498891.11), dbSNP rs1555709548, ClinGen allele CA658798882.

ClinVar aggregate classification (germline): Uncertain significance. Review status: criteria provided, multiple submitters, no conflicts (2 of 4 stars). 2 submissions from 2 submitters: Uncertain significance (2). Last evaluated 2022-06-27.

Conditions:
Progressive myoclonic epilepsy. Also called: Familial progressive myoclonic epilepsy; Myoclonus epilepsy; Progressive myoclonus epilepsy; Myoclonic Epilepsies, Progressive. Identifiers: Orphanet 308, Orphanet 98261, MedGen C0751778, MONDO:0020074.

Submissions (2):

Labcorp Genetics (formerly Invitae), Labcorp
Classification: Uncertain significance for Progressive myoclonic epilepsy. Last evaluated: 2022-06-27. Review status: criteria provided, single submitter. Criteria: Invitae Variant Classification Sherloc (09022015). Collection method: clinical testing. Allele origin: germline.
Comment: This sequence change replaces arginine, which is basic and polar, with glutamine, which is neutral and polar, at codon 67 of the GOSR2 protein (p.Arg67Gln). The frequency data for this variant in the population databases is considered unreliable, as metrics indicate poor data quality at this position in the gnomAD database. This variant has not been reported in the literature in individuals affected with GOSR2-related conditions. ClinVar contains an entry for this variant (Variation ID: 498891). Algorithms developed to predict the effect of missense changes on protein structure and function are either unavailable or do not agree on the potential impact of this missense change (SIFT: "Not Available"; PolyPhen-2: "Benign"; Align-GVGD: "Not Available"). In summary, the available evidence is currently insufficient to determine the role of this variant in disease. Therefore, it has been classified as a Variant of Uncertain Significance.

Eurofins Ntd Llc (ga)
Classification: Uncertain significance. Last evaluated: 2016-11-30. Review status: criteria provided, single submitter. Criteria: EGL Classification Definitions 2015. Collection method: clinical testing. Allele origin: germline. Observed: 1 variant allele, 1 heterozygote.